The following is an entry in ClinVar:

NM_012079.6(DGAT1):c.1094+17_1094+27del

Genes: DGAT1 (diacylglycerol O-acyltransferase 1; minus strand), MIR6848 (microRNA 6848; minus strand), LOC130001383 (ATAC-STARR-seq lymphoblastoid active region 28093; plus strand). Cytogenetic location: 8q24.3.
Variant type: Microsatellite.
Coding change: c.1094+17_1094+27del on transcript NM_012079.6 (MANE Select); bases 17 to 27 of the intron after coding-DNA position 1094, 11 bases deleted (TGTCCCTGGGG).
Molecular consequence: intron variant.
Genome position (GRCh38, 1-based): chr8:144,317,306-144,317,316, CCCCAGGGACA deleted on the plus strand (TGTCCCTGGGG on the coding strand, the reverse complement: DGAT1 is on the minus strand); deleting any 11 consecutive bases within chr8:144,317,306-144,317,328 gives the same sequence; the c. name uses the placement nearest the transcript's 3' end. VCF-style (leftmost placement, unchanged base first): chr8-144317305-CCCCCAGGGACA-C. GRCh37 (hg19) VCF-style: chr8-145540968-CCCCCAGGGACA-C.
Identifiers: ClinVar variation 999767 (VCV000999767.3), dbSNP rs782682584, ClinGen allele CA4936680.

ClinVar aggregate classification (germline): Conflicting classifications of pathogenicity. Review status: criteria provided, conflicting classifications (1 of 4 stars). 2 submissions from 2 submitters: Uncertain significance (1); Likely benign (1). Last evaluated 2024-11-27.

Submissions (2):

Blueprint Genetics
Classification: Likely benign. Last evaluated: 2024-11-27. Review status: criteria provided, single submitter. Criteria: ACMG Guidelines, 2015. Collection method: clinical testing. Allele origin: germline.

Labcorp Genetics (formerly Invitae), Labcorp
Classification: Uncertain significance. Last evaluated: 2022-08-20. Review status: criteria provided, single submitter. Criteria: Invitae Variant Classification Sherloc (09022015). Collection method: clinical testing. Allele origin: germline.
Comment: This sequence change falls in intron 13 of the DGAT1 gene. It does not directly change the encoded amino acid sequence of the DGAT1 protein. This variant is present in population databases (rs782682584, gnomAD 0.09%). This variant has not been reported in the literature in individuals affected with DGAT1-related conditions. Algorithms developed to predict the effect of sequence changes on RNA splicing suggest that this variant is not likely to affect RNA splicing. In summary, the available evidence is currently insufficient to determine the role of this variant in disease. Therefore, it has been classified as a Variant of Uncertain Significance.